The following is an entry in ClinVar:

NM_001351132.2(PEX5):c.1111-6C>T

Gene: PEX5 (peroxisomal biogenesis factor 5; plus strand). Cytogenetic location: 12p13.31.
Variant type: single nucleotide variant.
Coding change: c.1111-6C>T on transcript NM_001351132.2 (MANE Select); 6 bases into the intron before coding-DNA position 1111, C replaced by T.
Molecular consequence: intron variant.
Genome position (GRCh38, 1-based): chr12:7,208,004, C>T. VCF-style: chr12-7208004-C-T. GRCh37 (hg19) VCF-style: chr12-7360600-C-T.
Other names: c.1000-6C>T (NM_001351124.3, NM_001351126.2, NM_001374646.1 and 7 more transcripts); c.1111-6C>T (NM_001131026.2, NM_001351131.2, NM_001374647.2 and 4 more transcripts); c.976-6C>T (NM_001374649.2, NM_001351140.2, NM_001351139.2); c.1045-6C>T (NM_001351135.3, NM_001351138.2); c.1156-6C>T (NM_001131023.2); c.1102-6C>T (NM_001351136.2); c.1087-6C>T (NM_000319.5).
Identifiers: ClinVar variation 3054808 (VCV003054808.2), dbSNP rs1054541109, ClinGen allele CA232475373.

ClinVar aggregate classification (germline): Likely benign (0 of 4 stars; one submission).

Conditions:
PEX5-related disorder. Also called: PEX5-related condition; PEX5-Related Disorders.

Allele frequency attached by ClinVar (database versions not stated): gnomAD exomes below 0.00001; gnomAD 0.00001; TOPMed 0.00001.
gnomAD v4.1: 6 of 1,612,440 alleles (0.00037%); highest among the groups gnomAD compares: Non-Finnish European, 0.00051%; no homozygotes.

Submission:

PreventionGenetics, part of Exact Sciences
Classification: Likely benign for PEX5-related condition. Last evaluated: 2022-07-14. Review status: no assertion criteria provided. Collection method: clinical testing. Allele origin: germline.
Comment: This variant is classified as likely benign based on ACMG/AMP sequence variant interpretation guidelines (Richards et al. 2015 PMID: 25741868, with internal and published modifications).